The following is an entry in ClinVar:

NM_000179.3(MSH6):c.4016dup (p.Ala1339_Ser1340insTer)

Gene: MSH6 (mutS homolog 6; plus strand). Cytogenetic location: 2p16.3.
Variant type: Duplication.
Coding change: c.4016dup on transcript NM_000179.3 (MANE Select); coding-DNA position 4016, one base duplicated (C; older notation c.4016dupC).
Protein change: p.Ala1339_Ser1340insTer.
Molecular consequence: frameshift variant.
Genome position (GRCh38, 1-based): chr2:47,806,793, C duplicated. VCF-style (leftmost placement, unchanged base first): chr2-47806792-G-GC. GRCh37 (hg19) VCF-style: chr2-48033931-G-GC.
Other names: c.3626dup, p.Ala1209_Ser1210insTer (NM_001281492.2); c.3110dup, p.Ala1037_Ser1038insTer (NM_001281493.2, NM_001281494.2); c.4016dupC (NM_000179.2).
Identifiers: ClinVar variation 420727 (VCV000420727.2), dbSNP rs1553333996, ClinGen allele CA16617725.

ClinVar aggregate classification (germline): Uncertain significance (1 of 4 stars; one submission).

Submission:

GeneDx
Classification: Uncertain significance. Last evaluated: 2016-03-23. Review status: criteria provided, single submitter. Criteria: GeneDx Variant Classification (06012015). Collection method: clinical testing. Allele origin: germline. Affected: yes.
Comment: This duplication of one nucleotide is denoted MSH6 c.4016dupC at the cDNA level and p.Ser1340Ter (S1340X) at the protein level. The normal sequence, with the base that is duplicated in braces, is CTGG[C]TAGT. The duplication creates a nonsense variant, which changes a Serine to a premature stop codon. Although this variant has not been previously reported to our knowledge, it is predicted to cause loss of normal protein function through protein truncation. However, due to the location of the newly created nonsense codon near the end of the gene in the last exon, the transcript is not expected to undergo nonsense-mediated decay and could therefore encode a truncated protein that retains some normal function. Based on currently available information, it is unclear whether MSH6 c.4016dupC is pathogenic or benign. We consider it to be a variant of uncertain significance.